The following is an entry in ClinVar:

NM_001440.4(EXTL3):c.1636C>T (p.Arg546Trp)

Gene: EXTL3 (exostosin like glycosyltransferase 3; plus strand). Cytogenetic location: 8p21.1.
Variant type: single nucleotide variant.
Coding change: c.1636C>T on transcript NM_001440.4 (MANE Select); coding-DNA position 1636, C replaced by T.
Protein change: p.Arg546Trp; replaces arginine 546 with tryptophan.
Molecular consequence: missense variant.
Genome position (GRCh38, 1-based): chr8:28,717,695, C>T. VCF-style: chr8-28717695-C-T. GRCh37 (hg19) VCF-style: chr8-28575212-C-T.
Other names: c.1636C>T (NM_001440.2); short protein forms R546W.
Identifiers: ClinVar variation 1965636 (VCV001965636.3), dbSNP rs759698175, ClinGen allele CA174387423.
Genomic context (GRCh38, chr8:28,717,695, plus strand): 5'-ATTTTTAATACCGTGCTGGCTATGATTAGGACTCGCATCCAGATCCCAGCCGCTCCCATC[C>T]GGGAAGAGGCGGCAGCTGAGATCCCCCACCGTTCAGGCAAGGCGGCTGGAACTGACCCCA-3'
Protein context (NP_001431.1, residues 536-556): TRIQIPAAPI[Arg546Trp]EEAAAEIPHR

ClinVar aggregate classification (germline): Uncertain significance. Review status: criteria provided, multiple submitters, no conflicts (2 of 4 stars). 2 submissions from 2 submitters: Uncertain significance (2). Last evaluated 2025-02-14.

Conditions:
Inborn genetic diseases. Identifiers: MedGen C0950123, MeSH D030342.

Allele frequency attached by ClinVar (database versions not stated): gnomAD exomes below 0.00001; gnomAD 0.00001; TOPMed 0.00001.
gnomAD v4.1: 6 of 1,614,094 alleles (0.00037%); highest among the groups gnomAD compares: East Asian, 0.0045%; no homozygotes.

Submissions (2):

Ambry Genetics
Classification: Uncertain significance for Inborn genetic diseases. Last evaluated: 2025-02-14. Review status: criteria provided, single submitter. Criteria: Ambry Variant Classification Scheme 2023. Collection method: clinical testing. Allele origin: germline.

Labcorp Genetics (formerly Invitae), Labcorp
Classification: Uncertain significance. Last evaluated: 2022-08-21. Review status: criteria provided, single submitter. Criteria: Invitae Variant Classification Sherloc (09022015). Collection method: clinical testing. Allele origin: germline.
Comment: This sequence change replaces arginine, which is basic and polar, with tryptophan, which is neutral and slightly polar, at codon 546 of the EXTL3 protein (p.Arg546Trp). This variant is present in population databases (rs759698175, gnomAD 0.006%). This variant has not been reported in the literature in individuals affected with EXTL3-related conditions. Algorithms developed to predict the effect of missense changes on protein structure and function are either unavailable or do not agree on the potential impact of this missense change (SIFT: "Deleterious"; PolyPhen-2: "Possibly Damaging"; Align-GVGD: "Class C0"). In summary, the available evidence is currently insufficient to determine the role of this variant in disease. Therefore, it has been classified as a Variant of Uncertain Significance.